The following is an entry in ClinVar:

ClinVar aggregate classification (germline): Likely benign. Review status: criteria provided, multiple submitters, no conflicts (2 of 4 stars). 2 submissions from 2 submitters: Likely benign (2). Last evaluated 2024-10-18.

Conditions:
Familial cancer of breast. Also called: Hereditary breast cancer; hereditary breast carcinoma; BREAST CANCER, FAMILIAL. Identifiers: Orphanet 227535, MedGen C0346153, MONDO:0016419, OMIM 114480. Disease mechanism: loss of function.
Ataxia-telangiectasia syndrome (AT). Also called: LOUIS-BAR SYNDROME; AT, COMPLEMENTATION GROUP C; ATAXIA-TELANGIECTASIA, COMPLEMENTATION GROUP A; ATAXIA-TELANGIECTASIA, FRESNO VARIANT; Ataxia-telangiectasia; Cerebello-oculocutaneous telangiectasia. Identifiers: Orphanet 100, MedGen C0004135, MONDO:0008840, OMIM 208900.

Submissions (2):

Labcorp Genetics (formerly Invitae), Labcorp
Classification: Likely benign for Ataxia-telangiectasia syndrome. Last evaluated: 2024-10-18. Review status: criteria provided, single submitter. Criteria: Invitae Variant Classification Sherloc (09022015). Collection method: clinical testing. Allele origin: germline.

Myriad Genetics, Inc.
Classification: Likely benign for Familial cancer of breast. Last evaluated: 2024-05-21. Review status: criteria provided, single submitter. Criteria: Myriad Autosomal Dominant, Autosomal Recessive and X-Linked Classification Criteria (2023). Collection method: clinical testing. Allele origin: unknown.
Comment: This variant is considered likely benign. This variant is intronic and is not expected to impact mRNA splicing.

NM_000051.4(ATM):c.4777-13_4777-10dup

Gene: ATM (ATM serine/threonine kinase; plus strand). Cytogenetic location: 11q22.3.
Variant type: Duplication.
Coding change: c.4777-13_4777-10dup on transcript NM_000051.4 (MANE Select); 13 bases into the intron before coding-DNA position 4777 through 10 bases into the intron before coding-DNA position 4777, 4 bases duplicated (TTTT; older notation c.4777-13_4777-10dupTTTT).
Molecular consequence: intron variant.
Genome position (GRCh38, 1-based): chr11:108,294,914-108,294,917, TTTT duplicated. VCF-style (leftmost placement, unchanged base first): chr11-108294913-A-ATTTT. GRCh37 (hg19) VCF-style: chr11-108165640-A-ATTTT.
Other names: c.4777-13_4777-10dup (NM_001351834.2).
Identifiers: ClinVar variation 2754855 (VCV002754855.4), dbSNP rs1398289633, ClinGen allele CA2615857118.
Genomic context (GRCh38, chr11:108,294,913, plus strand): 5'-TTTTTCTTTTATTAAGTTTTATTTCACAGGCTTAACCAATACGTGTTAAAAGCAAGTTAC[A>ATTTT]TTTTCTCTTTTAGGAAATTAACCATTTTCTCTCAGTAAGTGTTTATGATGCACTTCCATT-3'